The following is an entry in ClinVar:

NM_000548.5(TSC2):c.3846C>T (p.Ser1282=)

Gene: TSC2 (TSC complex subunit 2; plus strand). Cytogenetic location: 16p13.3.
Variant type: single nucleotide variant.
Coding change: c.3846C>T on transcript NM_000548.5 (MANE Select); coding-DNA position 3846, C replaced by T.
Protein change: p.Ser1282=; no amino-acid change (serine 1282 retained).
Molecular consequence: synonymous variant. On other transcripts: intron variant (6).
Genome position (GRCh38, 1-based): chr16:2,082,467, C>T. VCF-style: chr16-2082467-C-T. GRCh37 (hg19) VCF-style: chr16-2132468-C-T.
Other names: c.3114C>T, p.Ser1038= (NM_001318831.2); c.3714C>T, p.Ser1238= (NM_001370404.1); c.3717C>T, p.Ser1239= (NM_001370405.1, NM_021055.3); c.3814+669C>T (NM_001114382.3); c.3685+669C>T (NM_001363528.2); c.3682+669C>T (NM_001077183.3); c.3574+669C>T (NM_001318827.2); c.3538+669C>T (NM_001318829.2); and 2 more.
Identifiers: ClinVar variation 1082958 (VCV001082958.11), dbSNP rs1596404651, ClinGen allele CA492955746.
Genomic context (GRCh38, chr16:2,082,467, plus strand): 5'-ACGTGGCCGCACACGGCCTTCCCTTGCAGTGGCCTCTTTCTCCTCCCTGTACCAGTCCAG[C>T]TGCCAAGGACAGCTGCACAGGAGCGTTTCCTGGGCAGGTATCGCCTCTCAGAGGGAAGCG-3'
Protein context (NP_000539.2, residues 1272-1292): VASFSSLYQS[Ser1282=]CQGQLHRSVS

ClinVar aggregate classification (germline): Benign/Likely benign. Review status: criteria provided, multiple submitters, no conflicts (2 of 4 stars). 3 submissions from 3 submitters: Benign (1); Likely benign (2). Last evaluated 2025-05-30.

Conditions:
Hereditary cancer-predisposing syndrome. Also called: Neoplastic Syndromes, Hereditary; Hereditary neoplastic syndrome; Hereditary Cancer Syndrome; Tumor predisposition. Identifiers: Orphanet 140162, MedGen C0027672, MeSH D009386, MONDO:0015356.
Tuberous sclerosis 2 (TSC2). Identifiers: Orphanet 805, MedGen C1860707, MONDO:0013199, OMIM 613254.

Submissions (3):

Myriad Genetics, Inc.
Classification: Benign for Tuberous sclerosis 2. Last evaluated: 2025-05-30. Review status: criteria provided, single submitter. Criteria: Myriad Autosomal Dominant, Autosomal Recessive and X-Linked Classification Criteria (2023). Collection method: clinical testing. Allele origin: unknown.
Comment: This variant is considered benign. This variant is a silent/synonymous amino acid change and it is not expected to impact splicing.

Ambry Genetics
Classification: Likely benign for Hereditary cancer-predisposing syndrome. Last evaluated: 2024-04-22. Review status: criteria provided, single submitter. Criteria: Ambry Variant Classification Scheme 2023. Collection method: clinical testing. Allele origin: germline.

Labcorp Genetics (formerly Invitae), Labcorp
Classification: Likely benign for Tuberous sclerosis 2. Last evaluated: 2023-12-29. Review status: criteria provided, single submitter. Criteria: Invitae Variant Classification Sherloc (09022015). Collection method: clinical testing. Allele origin: germline.